The following is an entry in ClinVar:

NM_002519.3(NPAT):c.2156A>G (p.Asn719Ser)

Gene: NPAT (nuclear protein, coactivator of histone transcription; minus strand). Cytogenetic location: 11q22.3.
Variant type: single nucleotide variant.
Coding change: c.2156A>G on transcript NM_002519.3 (MANE Select); coding-DNA position 2156, A replaced by G.
Protein change: p.Asn719Ser; replaces asparagine 719 with serine.
Molecular consequence: missense variant.
Genome position (GRCh38, 1-based): chr11:108,172,828, T>C on the plus strand (A>G on the coding strand, the complement: NPAT is on the minus strand). VCF-style: chr11-108172828-T-C. GRCh37 (hg19) VCF-style: chr11-108043555-T-C.
Other names: c.2156A>G, p.Asn719Ser (NM_001321307.1); short protein forms N719S.
Identifiers: ClinVar variation 1948084 (VCV001948084.5), dbSNP rs373640001, ClinGen allele CA6263871.

ClinVar aggregate classification (germline): Uncertain significance (1 of 4 stars; one submission).

Allele frequency attached by ClinVar (database versions not stated): ExAC 0.00001; TOPMed 0.00001; ESP Exome Variant Server 0.00008.
gnomAD v4.1: 3 of 1,613,880 alleles (0.00019%); highest among the groups gnomAD compares: Admixed American, 0.0033%; no homozygotes.

Submission:

Labcorp Genetics (formerly Invitae), Labcorp
Classification: Uncertain significance. Last evaluated: 2022-05-03. Review status: criteria provided, single submitter. Criteria: Invitae Variant Classification Sherloc (09022015). Collection method: clinical testing. Allele origin: germline.
Comment: This sequence change replaces asparagine, which is neutral and polar, with serine, which is neutral and polar, at codon 719 of the NPAT protein (p.Asn719Ser). This variant is present in population databases (rs373640001, gnomAD 0.006%). This variant has not been reported in the literature in individuals affected with NPAT-related conditions. Algorithms developed to predict the effect of missense changes on protein structure and function output the following: SIFT: "Tolerated"; PolyPhen-2: "Benign"; Align-GVGD: "Class C0". The serine amino acid residue is found in multiple mammalian species, which suggests that this missense change does not adversely affect protein function. In summary, the available evidence is currently insufficient to determine the role of this variant in disease. Therefore, it has been classified as a Variant of Uncertain Significance.